The following is an entry in ClinVar:

NM_001329943.3(KIAA0586):c.368C>A (p.Thr123Lys)

Gene: KIAA0586 (KIAA0586; plus strand). Cytogenetic location: 14q23.1.
Variant type: single nucleotide variant.
Coding change: c.368C>A on transcript NM_001329943.3 (MANE Select); coding-DNA position 368, C replaced by A.
Protein change: p.Thr123Lys; replaces threonine 123 with lysine.
Molecular consequence: missense variant.
Genome position (GRCh38, 1-based): chr14:58,432,415, C>A. VCF-style: chr14-58432415-C-A. GRCh37 (hg19) VCF-style: chr14-58899133-C-A.
Other names: c.404C>A, p.Thr135Lys (NM_001244189.2); c.323C>A, p.Thr108Lys (NM_001244190.2); c.113C>A, p.Thr38Lys (NM_001244191.2, NM_001244192.2, NM_001329945.2 and 2 more transcripts); c.368C>A, p.Thr123Lys (NM_001329944.2, NM_001329946.2, NM_001329947.2 and 1 more transcripts); short protein forms T135K, T38K, T123K, T108K.
Identifiers: ClinVar variation 1390777 (VCV001390777.6), dbSNP rs2140422825, ClinGen allele CA389859934.

ClinVar aggregate classification (germline): Uncertain significance (1 of 4 stars; one submission).

Conditions:
Joubert syndrome 23 (JBTS23). Identifiers: Orphanet 475, MedGen C4084822, MONDO:0014664, OMIM 616490.
Short-rib thoracic dysplasia 14 with polydactyly (SRTD14). Identifiers: Orphanet 397715, MedGen C4225286, MONDO:0014688, OMIM 616546.

Submission:

Labcorp Genetics (formerly Invitae), Labcorp
Classification: Uncertain significance for Joubert syndrome 23; Short-rib thoracic dysplasia 14 with polydactyly. Last evaluated: 2022-07-26. Review status: criteria provided, single submitter. Criteria: Invitae Variant Classification Sherloc (09022015). Collection method: clinical testing. Allele origin: germline.
Comment: In summary, the available evidence is currently insufficient to determine the role of this variant in disease. Therefore, it has been classified as a Variant of Uncertain Significance. Algorithms developed to predict the effect of missense changes on protein structure and function are either unavailable or do not agree on the potential impact of this missense change (SIFT: "Tolerated"; PolyPhen-2: "Possibly Damaging"; Align-GVGD: "Class C0"). ClinVar contains an entry for this variant (Variation ID: 1390777). This variant has not been reported in the literature in individuals affected with KIAA0586-related conditions. This variant is not present in population databases (gnomAD no frequency). This sequence change replaces threonine, which is neutral and polar, with lysine, which is basic and polar, at codon 135 of the KIAA0586 protein (p.Thr135Lys).